The following is an entry in ClinVar:

NM_025233.7(COASY):c.40C>G (p.Pro14Ala)

Genes: COASY (Coenzyme A synthase; plus strand), LOC130060908 (ATAC-STARR-seq lymphoblastoid active region 12207; plus strand). Cytogenetic location: 17q21.2.
Variant type: single nucleotide variant.
Coding change: c.40C>G on transcript NM_025233.7 (MANE Select); coding-DNA position 40, C replaced by G.
Protein change: p.Pro14Ala; replaces proline 14 with alanine.
Molecular consequence: missense variant.
Genome position (GRCh38, 1-based): chr17:42,562,662, C>G. VCF-style: chr17-42562662-C-G. GRCh37 (hg19) VCF-style: chr17-40714680-C-G.
Other names: c.40C>G, p.Pro14Ala (NM_001042529.3); c.127C>G, p.Pro43Ala (NM_001042532.4); c.127C>G (NM_001042532.2); short protein forms P14A, P43A.
Identifiers: ClinVar variation 1419851 (VCV001419851.7), dbSNP rs1279154386, ClinGen allele CA399616450.

ClinVar aggregate classification (germline): Uncertain significance. Review status: criteria provided, multiple submitters, no conflicts (2 of 4 stars). 2 submissions from 2 submitters: Uncertain significance (2). Last evaluated 2025-02-03.

Conditions:
Neurodegeneration with brain iron accumulation 6 (NBIA6). Also called: COASY protein-associated neurodegeneration. Identifiers: Orphanet 397725, MedGen C4517377, MONDO:0014290, OMIM 615643.

Allele frequency attached by ClinVar (database versions not stated): TOPMed below 0.00001; gnomAD exomes 0.00001.
gnomAD v4.1: 3 of 1,523,532 alleles (0.0002%); highest among the groups gnomAD compares: Admixed American, 0.0042%; no homozygotes.

Submissions (2):

Ambry Genetics
Classification: Uncertain significance. Last evaluated: 2025-02-03. Review status: criteria provided, single submitter. Criteria: Ambry Variant Classification Scheme 2023. Collection method: clinical testing. Allele origin: germline.

Labcorp Genetics (formerly Invitae), Labcorp
Classification: Uncertain significance for Neurodegeneration with brain iron accumulation 6. Last evaluated: 2022-08-09. Review status: criteria provided, single submitter. Criteria: Invitae Variant Classification Sherloc (09022015). Collection method: clinical testing. Allele origin: germline.
Comment: ClinVar contains an entry for this variant (Variation ID: 1419851). This variant has not been reported in the literature in individuals affected with COASY-related conditions. This variant is present in population databases (no rsID available, gnomAD 0.004%). This sequence change replaces proline, which is neutral and non-polar, with alanine, which is neutral and non-polar, at codon 14 of the COASY protein (p.Pro14Ala). Algorithms developed to predict the effect of missense changes on protein structure and function are either unavailable or do not agree on the potential impact of this missense change (SIFT: "Deleterious"; PolyPhen-2: "Probably Damaging"; Align-GVGD: "Class C0"). In summary, the available evidence is currently insufficient to determine the role of this variant in disease. Therefore, it has been classified as a Variant of Uncertain Significance.